The following is an entry in ClinVar:

NM_152513.4(MEI1):c.3452G>A (p.Trp1151Ter)

Gene: MEI1 (meiotic double-stranded break formation protein 1; plus strand). Cytogenetic location: 22q13.2.
Variant type: single nucleotide variant.
Coding change: c.3452G>A on transcript NM_152513.4 (MANE Select); coding-DNA position 3452, G replaced by A.
Protein change: p.Trp1151Ter; replaces tryptophan 1151 with a stop codon.
Molecular consequence: nonsense.
Genome position (GRCh38, 1-based): chr22:41,794,395, G>A. VCF-style: chr22-41794395-G-A. GRCh37 (hg19) VCF-style: chr22-42190399-G-A.
Other names: short protein forms W1151*.
Identifiers: ClinVar variation 627576 (VCV000627576.3), dbSNP rs749779829, ClinGen allele CA10260886.

ClinVar aggregate classification (germline): Likely pathogenic. Review status: criteria provided, single submitter (1 of 4 stars). 2 submissions from 2 submitters: Likely pathogenic (1). 1 of the submissions does not count toward it. Last evaluated 2019-09-30.

Conditions:
Hydatidiform mole, recurrent, 3. Identifiers: MedGen C5193093, MONDO:0032746, OMIM 618431.

Allele frequency attached by ClinVar (database versions not stated): gnomAD exomes below 0.00001 and 0.00002; ExAC 0.00001; gnomAD 0.00001; TOPMed 0.00001.
gnomAD v4.1: 7 of 1,613,858 alleles (0.00043%); highest among the groups gnomAD compares: Admixed American, 0.0083%; no homozygotes.

Submissions (2):

SIB Swiss Institute of Bioinformatics
Classification: Likely pathogenic for Hydatidiform mole, recurrent, 3. Last evaluated: 2019-09-30. Review status: criteria provided, single submitter. Criteria: ACMG Guidelines, 2015. Collection method: curation. Allele origin: unknown.
Comment: This variant is interpreted as a Likely pathogenic for Hydatidiform mole, recurrent, 3. The following ACMG Tag(s) were applied: PM2, PVS1-Strong, PP1.

OMIM
Classification: Pathogenic for HYDATIDIFORM MOLE, RECURRENT, 3. Last evaluated: 2026-06-15. Review status: no assertion criteria provided. Collection method: literature only. Allele origin: germline. Not counted in ClinVar's aggregate classification.

Literature cited by the submitters: PubMed 30388401 (cited by SIB Swiss Institute of Bioinformatics and OMIM); Hamosh, A. Personal Communication. 2019. Baltimore, Md. (cited by OMIM).